The following is an entry in ClinVar:

NM_001330078.2(NRXN1):c.158A>C (p.Glu53Ala)

Gene: NRXN1 (neurexin 1; minus strand). Cytogenetic location: 2p16.3.
Variant type: single nucleotide variant.
Coding change: c.158A>C on transcript NM_001330078.2 (MANE Select); coding-DNA position 158, A replaced by C.
Protein change: p.Glu53Ala; replaces glutamic acid 53 with alanine.
Molecular consequence: missense variant.
Genome position (GRCh38, 1-based): chr2:51,028,116, T>G on the plus strand (A>C on the coding strand, the complement: NRXN1 is on the minus strand). VCF-style: chr2-51028116-T-G. GRCh37 (hg19) VCF-style: chr2-51255254-T-G.
Other names: c.158A>C, p.Glu53Ala (NM_001330083.2, NM_001330084.2, NM_001330085.2 and 15 more transcripts); short protein forms E53A.
Identifiers: ClinVar variation 857875 (VCV000857875.9), dbSNP rs1287837969, ClinGen allele CA346824578.

ClinVar aggregate classification (germline): Uncertain significance (1 of 4 stars; one submission).

Conditions:
Pitt-Hopkins-like syndrome 2 (PTHSL2). Identifiers: Orphanet 221150, Orphanet 600663, MedGen C3280479, MONDO:0013690, OMIM 614325.

Allele frequency attached by ClinVar (database versions not stated): gnomAD exomes below 0.00001; gnomAD 0.00001; TOPMed 0.00001.
gnomAD v4.1: 7 of 1,574,440 alleles (0.00044%); highest among the groups gnomAD compares: Non-Finnish European, 0.0006%; no homozygotes.

Submission:

Labcorp Genetics (formerly Invitae), Labcorp
Classification: Uncertain significance for Pitt-Hopkins-like syndrome 2. Last evaluated: 2023-06-14. Review status: criteria provided, single submitter. Criteria: Invitae Variant Classification Sherloc (09022015). Collection method: clinical testing. Allele origin: germline.
Comment: ClinVar contains an entry for this variant (Variation ID: 857875). In summary, the available evidence is currently insufficient to determine the role of this variant in disease. Therefore, it has been classified as a Variant of Uncertain Significance. An algorithm developed to predict the effect of missense changes on protein structure and function (PolyPhen-2) suggests that this variant is likely to be disruptive. This variant has not been reported in the literature in individuals affected with NRXN1-related conditions. This variant is present in population databases (no rsID available, gnomAD 0.002%). This sequence change replaces glutamic acid, which is acidic and polar, with alanine, which is neutral and non-polar, at codon 53 of the NRXN1 protein (p.Glu53Ala).